The following is an entry in ClinVar:

ClinVar aggregate classification (germline): Uncertain significance (1 of 4 stars; one submission).

Conditions:
Inborn genetic diseases. Identifiers: MedGen C0950123, MeSH D030342.

Submission:

Ambry Genetics
Classification: Uncertain significance for Inborn genetic diseases. Last evaluated: 2023-05-31. Review status: criteria provided, single submitter. Criteria: Ambry Variant Classification Scheme 2023. Collection method: clinical testing. Allele origin: germline.
Comment: The p.E1616G variant (also known as c.4847A>G), located in coding exon 34 of the LRRK2 gene, results from an A to G substitution at nucleotide position 4847. The glutamic acid at codon 1616 is replaced by glycine, an amino acid with similar properties. This amino acid position is conserved. In addition, this alteration is predicted to be tolerated by in silico analysis. Since supporting evidence is limited at this time, the clinical significance of this alteration remains unclear.

NM_198578.4(LRRK2):c.4847A>G (p.Glu1616Gly)

Gene: LRRK2 (leucine rich repeat kinase 2; plus strand). Cytogenetic location: 12q12.
Variant type: single nucleotide variant.
Coding change: c.4847A>G on transcript NM_198578.4 (MANE Select); coding-DNA position 4847, A replaced by G.
Protein change: p.Glu1616Gly; replaces glutamic acid 1616 with glycine.
Molecular consequence: missense variant.
Genome position (GRCh38, 1-based): chr12:40,320,007, A>G. VCF-style: chr12-40320007-A-G. GRCh37 (hg19) VCF-style: chr12-40713809-A-G.
Other names: short protein forms E1616G.
Identifiers: ClinVar variation 2567431 (VCV002567431.2), dbSNP rs2499872971, ClinGen allele CA384419429.